The following is an entry in ClinVar:

NM_000202.8(IDS):c.709-657G>A

Genes: IDS (iduronate 2-sulfatase; minus strand), LOC106050102 (IDS recombination region; plus strand). Cytogenetic location: Xq28.
Variant type: single nucleotide variant.
Coding change: c.709-657G>A on transcript NM_000202.8 (MANE Select); 657 bases into the intron before coding-DNA position 709, G replaced by A.
Molecular consequence: intron variant.
Genome position (GRCh38, 1-based): chrX:149,497,173, C>T on the plus strand (G>A on the coding strand, the complement: IDS is on the minus strand). VCF-style: chrX-149497173-C-T. GRCh37 (hg19) VCF-style: chrX-148578704-C-T.
Other names: c.439-657G>A (NM_001166550.4); c.709-657G>A (NM_006123.5).
Identifiers: ClinVar variation 3255817 (VCV003255817.2).

ClinVar aggregate classification (germline): Uncertain significance (1 of 4 stars; one submission).

Conditions:
Mucopolysaccharidosis, MPS-II (MPS2). Also called: Hunter Syndrome; IDURONATE 2-SULFATASE DEFICIENCY; Mucopolysaccharidosis Type II; Mucopolysaccharidosis type 2; Attenuated MPS (subtype; formerly known as mild MPS II); Severe MPS II. Identifiers: Orphanet 580, Orphanet 79388, MedGen C0026705, MONDO:0010674, OMIM 309900.

Submission:

Laboratory of Diagnosis and Therapy of Lysosomal Disorders, University of Padova
Classification: Uncertain significance for Mucopolysaccharidosis, MPS-II. Last evaluated: 2024-06-07. Review status: criteria provided, single submitter. Criteria: ACMG Guidelines, 2015. Collection method: literature only. Allele origin: germline. Affected: yes. Observed: 1 variant allele.
Comment: Absent from controls (or at low frequency) in gnomAD database (PM2_Moderate), Patient’s phenotype or family history highly specific for the disease (PP4_Moderate)

Classification method: ACMG Guidelines [PMID:25741868] with modifications

Literature cited by the submitters: PubMed 10220152.